The following is an entry in ClinVar:

ClinVar aggregate classification (germline): Pathogenic (1 of 4 stars; one submission).

Conditions:
Cerebral cavernous malformation 3. Also called: Familial Cerebral Cavernous Malformation 3. Identifiers: Orphanet 221061, MedGen C1864040, MONDO:0011305, OMIM 603285.

Submission:

Labcorp Genetics (formerly Invitae), Labcorp
Classification: Pathogenic for Cerebral cavernous malformations 3. Last evaluated: 2019-11-04. Review status: criteria provided, single submitter. Criteria: Invitae Variant Classification Sherloc (09022015). Collection method: clinical testing. Allele origin: germline.
Comment: This sequence change results in a frameshift in the PDCD10 gene (p.Asn189Cysfs*39). While this is not anticipated to result in nonsense mediated decay, it is expected to disrupt the last 24 amino acids of the PDCD10 protein and extend the protein by an additional 14 amino acids. This variant is not present in population databases (ExAC no frequency). This variant has not been reported in the literature in individuals with PDCD10-related conditions. This variant disrupts the C-terminus of the PDCD10 protein. Other variant(s) that disrupt this region (p.Arg196*) have been determined to be pathogenic (PMID: 15543491, 30161288). This suggests that variants that disrupt this region of the protein are likely to be causative of disease. For these reasons, this variant has been classified as Pathogenic.

Literature cited by the submitters: PubMed 30161288; PubMed 15543491.

NM_007217.4(PDCD10):c.565_566del (p.Asn189fs)

Gene: PDCD10 (programmed cell death 10; minus strand). Cytogenetic location: 3q26.1.
Variant type: Deletion.
Coding change: c.565_566del on transcript NM_007217.4 (MANE Select); coding-DNA positions 565 to 566, 2 bases deleted (AA; older notation c.565_566delAA).
Protein change: p.Asn189fs; shifts the reading frame from asparagine 189.
Molecular consequence: frameshift variant.
Genome position (GRCh38, 1-based): chr3:167,684,381-167,684,382, TT deleted on the plus strand (AA on the coding strand, the reverse complement: PDCD10 is on the minus strand); deleting any 2 consecutive bases within chr3:167,684,381-167,684,383 gives the same sequence; the c. name uses the placement nearest the transcript's 3' end. VCF-style (leftmost placement, unchanged base first): chr3-167684380-ATT-A. GRCh37 (hg19) VCF-style: chr3-167402168-ATT-A.
Other names: c.565_566del, p.Asn189fs (NM_145859.2, NM_145860.2); short protein forms N189fs.
Identifiers: ClinVar variation 964266 (VCV000964266.1), dbSNP rs1719352298, ClinGen allele CA1139658321.